The following is an entry in ClinVar:

NM_015386.3(COG4):c.978C>G (p.Ile326Met)

Gene: COG4 (component of oligomeric golgi complex 4; minus strand). Cytogenetic location: 16q22.1.
Variant type: single nucleotide variant.
Coding change: c.978C>G on transcript NM_015386.3 (MANE Select); coding-DNA position 978, C replaced by G.
Protein change: p.Ile326Met; replaces isoleucine 326 with methionine.
Molecular consequence: missense variant. On other transcripts: non-coding transcript variant (1).
Genome position (GRCh38, 1-based): chr16:70,509,255, G>C on the plus strand (C>G on the coding strand, the complement: COG4 is on the minus strand). VCF-style: chr16-70509255-G-C. GRCh37 (hg19) VCF-style: chr16-70543158-G-C.
Other names: c.966C>G, p.Ile322Met (NM_001195139.2); c.552C>G, p.Ile184Met (NM_001365426.1); short protein forms I184M, I322M, I326M.
Identifiers: ClinVar variation 2506764 (VCV002506764.2), dbSNP rs2507530519, ClinGen allele CA396575659.

ClinVar aggregate classification (germline): Uncertain significance (1 of 4 stars; one submission).

Submission:

GeneDx
Classification: Uncertain significance. Last evaluated: 2026-01-10. Review status: criteria provided, single submitter. Criteria: GeneDx Variant Classification Process June 2021. Collection method: clinical testing. Allele origin: germline. Affected: yes.
Comment: Not observed at significant frequency in large population cohorts (gnomAD); In silico analysis suggests that this missense variant does not alter protein structure/function; Has not been previously published as pathogenic or benign to our knowledge